The following is an entry in ClinVar:

ClinVar aggregate classification (germline): Uncertain significance. Review status: criteria provided, multiple submitters, no conflicts (2 of 4 stars). 2 submissions from 2 submitters: Uncertain significance (2). Last evaluated 2023-11-27.

Conditions:
Cardiovascular phenotype. Identifiers: MedGen CN230736.
Hypertrophic cardiomyopathy. Also called: HYPERTROPHIC MYOCARDIOPATHY. Identifiers: Orphanet 217569, MedGen C0007194, MeSH D002312, MONDO:0005045, HP:0001639.

Submissions (2):

Labcorp Genetics (formerly Invitae), Labcorp
Classification: Uncertain significance for Hypertrophic cardiomyopathy. Last evaluated: 2023-11-27. Review status: criteria provided, single submitter. Criteria: Invitae Variant Classification Sherloc (09022015). Collection method: clinical testing. Allele origin: germline.
Comment: This sequence change falls in intron 1 of the MYBPC3 gene. It does not directly change the encoded amino acid sequence of the MYBPC3 protein. It affects a nucleotide within the consensus splice site. This variant is not present in population databases (gnomAD no frequency). This variant has not been reported in the literature in individuals affected with MYBPC3-related conditions. ClinVar contains an entry for this variant (Variation ID: 1792242). Variants that disrupt the consensus splice site are a relatively common cause of aberrant splicing (PMID: 17576681, 9536098). Algorithms developed to predict the effect of sequence changes on RNA splicing suggest that this variant is not likely to affect RNA splicing. In summary, the available evidence is currently insufficient to determine the role of this variant in disease. Therefore, it has been classified as a Variant of Uncertain Significance.

Ambry Genetics
Classification: Uncertain significance for Cardiovascular phenotype. Last evaluated: 2021-05-20. Review status: criteria provided, single submitter. Criteria: Ambry Variant Classification Scheme 2023. Collection method: clinical testing. Allele origin: germline.
Comment: The c.25+3A>G intronic variant results from an A to G substitution 3 nucleotides after coding exon 1 in the MYBPC3 gene. This nucleotide position is highly conserved in available vertebrate species. In silico splice site analysis predicts that this alteration will not have any significant effect on splicing. Since supporting evidence is limited at this time, the clinical significance of this alteration remains unclear.

Literature cited by the submitters: PubMed 17576681 (cited by Labcorp Genetics (formerly Invitae), Labcorp); PubMed 9536098 (cited by Labcorp Genetics (formerly Invitae), Labcorp).

NM_000256.3(MYBPC3):c.25+3A>G

Gene: MYBPC3 (myosin binding protein C3; minus strand). Cytogenetic location: 11p11.2.
Variant type: single nucleotide variant.
Coding change: c.25+3A>G on transcript NM_000256.3 (MANE Select); 3 bases into the intron after coding-DNA position 25, A replaced by G.
Molecular consequence: intron variant.
Genome position (GRCh38, 1-based): chr11:47,352,620, T>C on the plus strand (A>G on the coding strand, the complement: MYBPC3 is on the minus strand). VCF-style: chr11-47352620-T-C. GRCh37 (hg19) VCF-style: chr11-47374171-T-C.
Identifiers: ClinVar variation 1792242 (VCV001792242.5), dbSNP rs397515968, ClinGen allele CA2580084285.